The following is an entry in ClinVar:

NM_002226.5(JAG2):c.2582G>A (p.Arg861Gln)

Gene: JAG2 (jagged canonical Notch ligand 2; minus strand). Cytogenetic location: 14q32.33.
Variant type: single nucleotide variant.
Coding change: c.2582G>A on transcript NM_002226.5 (MANE Select); coding-DNA position 2582, G replaced by A.
Protein change: p.Arg861Gln; replaces arginine 861 with glutamine.
Molecular consequence: missense variant.
Genome position (GRCh38, 1-based): chr14:105,146,622, C>T on the plus strand (G>A on the coding strand, the complement: JAG2 is on the minus strand). VCF-style: chr14-105146622-C-T. GRCh37 (hg19) VCF-style: chr14-105612959-C-T.
Other names: c.2468G>A, p.Arg823Gln (NM_145159.3); short protein forms R823Q, R861Q.
Identifiers: ClinVar variation 5000244 (VCV005000244.1).

ClinVar aggregate classification (germline): Uncertain significance (1 of 4 stars; one submission).

Conditions:
JAG2-related disorder. Also called: JAG2-related condition.

gnomAD v4.1: 138 of 1,612,534 alleles (0.0086%); highest among the groups gnomAD compares: African/African-American, 0.11%; 1 homozygote.

Submission:

PreventionGenetics, part of Exact Sciences
Classification: Uncertain significance for JAG2-related condition. Last evaluated: 2026-06-11. Review status: criteria provided, single submitter. Criteria: ACMG Guidelines, 2015. Collection method: clinical testing. Allele origin: germline.
Comment: The JAG2 c.2582G>A variant is predicted to result in the amino acid substitution p.Arg861Gln. To our knowledge, this variant has not been reported in the literature. This variant is reported in 0.13% of alleles in individuals of African descent in gnomAD. At this time, the clinical significance of this variant is uncertain due to the absence of conclusive functional and genetic evidence.